The following is an entry in ClinVar:

NM_004036.5(ADCY3):c.393G>C (p.Pro131=)

Gene: ADCY3 (adenylate cyclase 3; minus strand). Cytogenetic location: 2p23.3.
Variant type: single nucleotide variant.
Coding change: c.393G>C on transcript NM_004036.5 (MANE Select); coding-DNA position 393, G replaced by C.
Protein change: p.Pro131=; no amino-acid change (proline 131 retained).
Molecular consequence: synonymous variant.
Genome position (GRCh38, 1-based): chr2:24,918,595, C>G on the plus strand (G>C on the coding strand, the complement: ADCY3 is on the minus strand). VCF-style: chr2-24918595-C-G. GRCh37 (hg19) VCF-style: chr2-25141464-C-G.
Other names: c.393G>C, p.Pro131= (NM_001320613.2, NM_001377128.1, NM_001377129.1 and 2 more transcripts).
Identifiers: ClinVar variation 3351898 (VCV003351898.1).

ClinVar aggregate classification (germline): Likely benign (0 of 4 stars; one submission).

Conditions:
ADCY3-related disorder. Also called: ADCY3-related condition.

gnomAD v4.1: 48 of 1,614,004 alleles (0.003%); highest among the groups gnomAD compares: Non-Finnish European, 0.0037%; no homozygotes.

Submission:

PreventionGenetics, part of Exact Sciences
Classification: Likely benign for ADCY3-related condition. Last evaluated: 2020-07-10. Review status: no assertion criteria provided. Collection method: clinical testing. Allele origin: germline.
Comment: This variant is classified as likely benign based on ACMG/AMP sequence variant interpretation guidelines (Richards et al. 2015 PMID: 25741868, with internal and published modifications).